The following is an entry in ClinVar:

ClinVar aggregate classification (germline): Uncertain significance (1 of 4 stars; one submission).

Submission:

Labcorp Genetics (formerly Invitae), Labcorp
Classification: Uncertain significance. Last evaluated: 2022-11-24. Review status: criteria provided, single submitter. Criteria: Invitae Variant Classification Sherloc (09022015). Collection method: clinical testing. Allele origin: germline.
Comment: In summary, the available evidence is currently insufficient to determine the role of this variant in disease. Therefore, it has been classified as a Variant of Uncertain Significance. Variants that disrupt the consensus splice site are a relatively common cause of aberrant splicing (PMID: 17576681, 9536098). Algorithms developed to predict the effect of sequence changes on RNA splicing suggest that this variant may disrupt the consensus splice site. This variant has not been reported in the literature in individuals affected with RECQL-related conditions. This variant is not present in population databases (gnomAD no frequency). This sequence change falls in intron 2 of the RECQL gene. It does not directly change the encoded amino acid sequence of the RECQL protein. It affects a nucleotide within the consensus splice site.

Literature cited by the submitters: PubMed 17576681; PubMed 9536098.

NM_002907.4(RECQL):c.16+5G>A

Gene: RECQL (RecQ like helicase; minus strand). Cytogenetic location: 12p12.1.
Variant type: single nucleotide variant.
Coding change: c.16+5G>A on transcript NM_002907.4 (MANE Select); 5 bases into the intron after coding-DNA position 16, G replaced by A.
Molecular consequence: intron variant.
Genome position (GRCh38, 1-based): chr12:21,499,550, C>T on the plus strand (G>A on the coding strand, the complement: RECQL is on the minus strand). VCF-style: chr12-21499550-C-T. GRCh37 (hg19) VCF-style: chr12-21652484-C-T.
Other names: c.16+5G>A (NM_032941.3).
Identifiers: ClinVar variation 2785237 (VCV002785237.3), dbSNP rs2540428119, ClinGen allele CA2739271886.